The following is an entry in ClinVar:

ClinVar aggregate classification (germline): Benign. Review status: criteria provided, multiple submitters, no conflicts (2 of 4 stars). 2 submissions from 2 submitters: Benign (2). Last evaluated 2018-06-16.

Allele frequency attached by ClinVar (database versions not stated): gnomAD exomes 0.00269; gnomAD 0.03464 and 0.03730; 1000 Genomes Project 0.03634; 1000 Genomes Project 30x 0.03935; TOPMed 0.04025.
gnomAD v4.1: 5,819 of 367,044 alleles (1.6%); highest among the groups gnomAD compares: African/African-American, 12%; 350 homozygotes.

Submissions (2):

GeneDx
Classification: Benign. Last evaluated: 2018-06-16. Review status: criteria provided, single submitter. Criteria: GeneDx Variant Classification (06012015). Collection method: clinical testing. Allele origin: germline. Affected: yes.
Comment: This variant is considered likely benign or benign based on one or more of the following criteria: it is a conservative change, it occurs at a poorly conserved position in the protein, it is predicted to be benign by multiple in silico algorithms, and/or has population frequency not consistent with disease.

Breakthrough Genomics
Classification: Benign. Review status: criteria provided, single submitter. Criteria: ACMG Guidelines, 2015. Collection method: not provided. Allele origin: germline. Inheritance: Autosomal recessive inheritance. Affected: yes.

NM_001384732.1(CPLANE1):c.8633-321G>C

Gene: CPLANE1 (ciliogenesis and planar polarity effector complex subunit 1; minus strand). Cytogenetic location: 5p13.2.
Variant type: single nucleotide variant.
Coding change: c.8633-321G>C on transcript NM_001384732.1 (MANE Select); 321 bases into the intron before coding-DNA position 8633, G replaced by C.
Molecular consequence: intron variant.
Genome position (GRCh38, 1-based): chr5:37,139,691, C>G on the plus strand (G>C on the coding strand, the complement: CPLANE1 is on the minus strand). VCF-style: chr5-37139691-C-G. GRCh37 (hg19) VCF-style: chr5-37139793-C-G.
Other names: c.8471-321G>C (NM_023073.4).
Identifiers: ClinVar variation 673831 (VCV000673831.2), dbSNP rs80131490, ClinGen allele CA117067357.
Genomic context (GRCh38, chr5:37,139,691, plus strand): 5'-AACCTCTGCCTCCGGGCTCAAGCAAACCTCCCACCTTAACCTCCTGAATGGCTGGGATTA[C>G]AGGTGTGTGCCGCAATGCAGGCTAATTTTTGTATTTTTTGTAGACACGGGGTCTTGCTAT-3'